The following is an entry in ClinVar:

NM_000455.5(STK11):c.365A>G (p.Lys122Arg)

Gene: STK11 (serine/threonine kinase 11; plus strand). Cytogenetic location: 19p13.3.
Variant type: single nucleotide variant.
Coding change: c.365A>G on transcript NM_000455.5 (MANE Select); coding-DNA position 365, A replaced by G.
Protein change: p.Lys122Arg; replaces lysine 122 with arginine.
Molecular consequence: missense variant.
Genome position (GRCh38, 1-based): chr19:1,218,491, A>G. VCF-style: chr19-1218491-A-G. GRCh37 (hg19) VCF-style: chr19-1218490-A-G.
Other names: short protein forms K122R.
Identifiers: ClinVar variation 956318 (VCV000956318.10), dbSNP rs2080759053, ClinGen allele CA402947898.

ClinVar aggregate classification (germline): Uncertain significance. Review status: criteria provided, multiple submitters, no conflicts (2 of 4 stars). 2 submissions from 2 submitters: Uncertain significance (2). Last evaluated 2024-10-04.

Conditions:
Hereditary cancer-predisposing syndrome. Also called: Hereditary neoplastic syndrome; Tumor predisposition; Neoplastic Syndromes, Hereditary; Hereditary Cancer Syndrome. Identifiers: Orphanet 140162, MedGen C0027672, MeSH D009386, MONDO:0015356.
Peutz-Jeghers syndrome (PJS). Also called: POLYPOSIS, HAMARTOMATOUS INTESTINAL; POLYPS-AND-SPOTS SYNDROME; Peutz-Jeghers polyposis; Periorificial lentiginosis syndrome. Identifiers: Orphanet 2869, MedGen C0031269, MeSH D010580, MONDO:0008280, OMIM 175200.

Submissions (2):

Ambry Genetics
Classification: Uncertain significance for Hereditary cancer-predisposing syndrome. Last evaluated: 2024-10-04. Review status: criteria provided, single submitter. Criteria: Ambry Variant Classification Scheme 2023. Collection method: clinical testing. Allele origin: germline.
Comment: The p.K122R variant (also known as c.365A>G), located in coding exon 2 of the STK11 gene, results from an A to G substitution at nucleotide position 365. The lysine at codon 122 is replaced by arginine, an amino acid with highly similar properties. This amino acid position is highly conserved in available vertebrate species. In addition, the in silico prediction for this alteration is inconclusive. Based on the available evidence, the clinical significance of this variant remains unclear.

Labcorp Genetics (formerly Invitae), Labcorp
Classification: Uncertain significance for Peutz-Jeghers syndrome. Last evaluated: 2021-07-20. Review status: criteria provided, single submitter. Criteria: Invitae Variant Classification Sherloc (09022015). Collection method: clinical testing. Allele origin: germline.
Comment: This sequence change replaces lysine with arginine at codon 122 of the STK11 protein (p.Lys122Arg). The lysine residue is highly conserved and there is a small physicochemical difference between lysine and arginine. This variant is not present in population databases (ExAC no frequency). This variant has not been reported in the literature in individuals with STK11-related conditions. Algorithms developed to predict the effect of missense changes on protein structure and function are either unavailable or do not agree on the potential impact of this missense change (SIFT: "Tolerated"; PolyPhen-2: "Probably Damaging"; Align-GVGD: "Class C0"). In summary, the available evidence is currently insufficient to determine the role of this variant in disease. Therefore, it has been classified as a Variant of Uncertain Significance.